The following is an entry in ClinVar:

NM_138477.4(CDAN1):c.1942T>C (p.Tyr648His)

Gene: CDAN1 (codanin 1; minus strand). Cytogenetic location: 15q15.2.
Variant type: single nucleotide variant.
Coding change: c.1942T>C on transcript NM_138477.4 (MANE Select); coding-DNA position 1942, T replaced by C.
Protein change: p.Tyr648His; replaces tyrosine 648 with histidine.
Molecular consequence: missense variant.
Genome position (GRCh38, 1-based): chr15:42,730,990, A>G on the plus strand (T>C on the coding strand, the complement: CDAN1 is on the minus strand). VCF-style: chr15-42730990-A-G. GRCh37 (hg19) VCF-style: chr15-43023188-A-G.
Other names: short protein forms Y648H.
Identifiers: ClinVar variation 2731384 (VCV002731384.3), dbSNP rs1229512350, ClinGen allele CA392043209.

ClinVar aggregate classification (germline): Uncertain significance (1 of 4 stars; one submission).

Allele frequency attached by ClinVar (database versions not stated): gnomAD exomes below 0.00001.

Submission:

Labcorp Genetics (formerly Invitae), Labcorp
Classification: Uncertain significance. Last evaluated: 2023-06-28. Review status: criteria provided, single submitter. Criteria: Invitae Variant Classification Sherloc (09022015). Collection method: clinical testing. Allele origin: germline.
Comment: This sequence change replaces tyrosine, which is neutral and polar, with histidine, which is basic and polar, at codon 648 of the CDAN1 protein (p.Tyr648His). This variant is not present in population databases (gnomAD no frequency). This variant has not been reported in the literature in individuals affected with CDAN1-related conditions. An algorithm developed to predict the effect of missense changes on protein structure and function (PolyPhen-2) suggests that this variant is likely to be disruptive. In summary, the available evidence is currently insufficient to determine the role of this variant in disease. Therefore, it has been classified as a Variant of Uncertain Significance.